The following is an entry in ClinVar:

ClinVar aggregate classification (germline): Uncertain significance (1 of 4 stars; one submission).

Allele frequency attached by ClinVar (database versions not stated): gnomAD exomes below 0.00001.
gnomAD v4.1: 1 of 1,532,822 alleles (0.000065%); highest among the groups gnomAD compares: South Asian, 0.0012%; no homozygotes.

Submission:

CeGaT Center for Human Genetics Tuebingen
Classification: Uncertain significance. Last evaluated: 2023-07-01. Review status: criteria provided, single submitter. Criteria: CeGaT Center For Human Genetics Tuebingen Variant Classification Criteria Version 2. Collection method: clinical testing. Allele origin: germline. Affected: yes. Observed: 1 variant allele.
Comment: PIEZO2: PM2

NM_001378183.1(PIEZO2):c.4943C>T (p.Pro1648Leu)

Gene: PIEZO2 (piezo type mechanosensitive ion channel component 2; minus strand). Cytogenetic location: 18p11.22.
Variant type: single nucleotide variant.
Coding change: c.4943C>T on transcript NM_001378183.1 (MANE Select); coding-DNA position 4943, C replaced by T.
Protein change: p.Pro1648Leu; replaces proline 1648 with leucine.
Molecular consequence: missense variant.
Genome position (GRCh38, 1-based): chr18:10,731,493, G>A on the plus strand (C>T on the coding strand, the complement: PIEZO2 is on the minus strand). VCF-style: chr18-10731493-G-A. GRCh37 (hg19) VCF-style: chr18-10731491-G-A.
Other names: c.4844C>T, p.Pro1615Leu (NM_001410871.1); c.4769C>T, p.Pro1590Leu (NM_022068.4); short protein forms P1590L, P1615L, P1648L.
Identifiers: ClinVar variation 2648586 (VCV002648586.24), dbSNP rs2510455251, ClinGen allele CA401915070.